The following is an entry in ClinVar:

ClinVar aggregate classification (germline): Uncertain significance (1 of 4 stars; one submission).

Conditions:
Glycogen storage disease type III (GSD3). Also called: FORBES DISEASE; Cori disease. Identifiers: Orphanet 366, MedGen C0017922, MONDO:0009291, OMIM 232400.

Submission:

Labcorp Genetics (formerly Invitae), Labcorp
Classification: Uncertain significance for Glycogen storage disease type III. Last evaluated: 2022-06-24. Review status: criteria provided, single submitter. Criteria: Invitae Variant Classification Sherloc (09022015). Collection method: clinical testing. Allele origin: germline.
Comment: This sequence change replaces leucine, which is neutral and non-polar, with phenylalanine, which is neutral and non-polar, at codon 1107 of the AGL protein (p.Leu1107Phe). This variant is not present in population databases (gnomAD no frequency). This variant has not been reported in the literature in individuals affected with AGL-related conditions. Algorithms developed to predict the effect of missense changes on protein structure and function output the following: SIFT: "Deleterious"; PolyPhen-2: "Benign"; Align-GVGD: "Class C0". The phenylalanine amino acid residue is found in multiple mammalian species, which suggests that this missense change does not adversely affect protein function. In summary, the available evidence is currently insufficient to determine the role of this variant in disease. Therefore, it has been classified as a Variant of Uncertain Significance.

NM_000642.3(AGL):c.3319C>T (p.Leu1107Phe)

Gene: AGL (amylo-alpha-1,6-glucosidase and 4-alpha-glucanotransferase; plus strand). Cytogenetic location: 1p21.2.
Variant type: single nucleotide variant.
Coding change: c.3319C>T on transcript NM_000642.3 (MANE Select); coding-DNA position 3319, C replaced by T.
Protein change: p.Leu1107Phe; replaces leucine 1107 with phenylalanine.
Molecular consequence: missense variant.
Genome position (GRCh38, 1-based): chr1:99,896,345, C>T. VCF-style: chr1-99896345-C-T. GRCh37 (hg19) VCF-style: chr1-100361901-C-T.
Other names: c.3319C>T, p.Leu1107Phe (NM_000028.3, NM_000643.3, NM_000644.3 and 1 more transcripts); c.3271C>T, p.Leu1091Phe (NM_000646.3); c.3298C>T, p.Leu1100Phe (NM_001425326.1); c.3118C>T, p.Leu1040Phe (NM_001425327.1); c.3115C>T, p.Leu1039Phe (NM_001425328.1); c.2980C>T, p.Leu994Phe (NM_001425329.1); c.2941C>T, p.Leu981Phe (NM_001425332.1); short protein forms L1091F, L1107F, L1039F, L1040F, L1100F, L981F, L994F.
Identifiers: ClinVar variation 2010034 (VCV002010034.1), dbSNP rs2524757692, ClinGen allele CA341328676.